The following is an entry in ClinVar:

NM_000075.4(CDK4):c.567C>T (p.Ser189=)

Gene: CDK4 (cyclin dependent kinase 4; minus strand). Cytogenetic location: 12q14.1.
Variant type: single nucleotide variant.
Coding change: c.567C>T on transcript NM_000075.4 (MANE Select); coding-DNA position 567, C replaced by T.
Protein change: p.Ser189=; no amino-acid change (serine 189 retained).
Molecular consequence: synonymous variant.
Genome position (GRCh38, 1-based): chr12:57,750,721, G>A on the plus strand (C>T on the coding strand, the complement: CDK4 is on the minus strand). VCF-style: chr12-57750721-G-A. GRCh37 (hg19) VCF-style: chr12-58144504-G-A.
Identifiers: ClinVar variation 233161 (VCV000233161.16), dbSNP rs144422354, ClinGen allele CA6657778.
Genomic context (GRCh38, chr12:57,750,721, plus strand): 5'-ACGAAACATCTCTGCAAAGATACAGCCAACACTCCACATGTCCACAGGTGTTGCATATGT[G>A]GACTGCAGAAGAACTTCGGGAGCTCGGTACCAGAGTGTAACAACCTAAAGGGAATAGGAA-3'
Protein context (NP_000066.1, residues 179-199): WYRAPEVLLQ[Ser189=]TYATPVDMWS

ClinVar aggregate classification (germline): Benign/Likely benign. Review status: criteria provided, multiple submitters, no conflicts (2 of 4 stars). 3 submissions from 3 submitters: Benign (1); Likely benign (2). Last evaluated 2024-09-26.

Conditions:
Hereditary cancer-predisposing syndrome. Also called: Neoplastic Syndromes, Hereditary; Tumor predisposition; Hereditary Cancer Syndrome; Hereditary neoplastic syndrome. Identifiers: Orphanet 140162, MedGen C0027672, MeSH D009386, MONDO:0015356.
Melanoma, cutaneous malignant, susceptibility to, 3. Also called: Cutaneous malignant melanoma 3. Identifiers: Orphanet 618, MedGen C1836892, MONDO:0012183, OMIM 609048.
Familial melanoma. Also called: Hereditary melanoma; Hereditary cutaneous melanoma. Identifiers: Orphanet 618, MedGen C1512419, MONDO:0018961.

Allele frequency attached by ClinVar (database versions not stated): gnomAD exomes below 0.00001; ExAC 0.00001; TOPMed 0.00001; ESP Exome Variant Server 0.00008.
gnomAD v4.1: 1 of 1,614,102 alleles (0.000062%); highest among the groups gnomAD compares: African/African-American, 0.0013%; no homozygotes.

Submissions (3):

Myriad Genetics, Inc.
Classification: Benign for Melanoma, cutaneous malignant, susceptibility to, 3. Last evaluated: 2024-09-26. Review status: criteria provided, single submitter. Criteria: Myriad Autosomal Dominant, Autosomal Recessive and X-Linked Classification Criteria (2023). Collection method: clinical testing. Allele origin: unknown.
Comment: This variant is considered benign. This variant is a silent/synonymous amino acid change and it is not expected to impact splicing.

Labcorp Genetics (formerly Invitae), Labcorp
Classification: Likely benign for Familial melanoma. Last evaluated: 2022-07-19. Review status: criteria provided, single submitter. Criteria: Invitae Variant Classification Sherloc (09022015). Collection method: clinical testing. Allele origin: germline.

Ambry Genetics
Classification: Likely benign for Hereditary cancer-predisposing syndrome. Last evaluated: 2015-08-05. Review status: criteria provided, single submitter. Criteria: Ambry Variant Classification Scheme 2023. Collection method: clinical testing. Allele origin: germline.